The following is an entry in ClinVar:

NM_006662.3(SRCAP):c.6901G>T (p.Glu2301Ter)

Gene: SRCAP (Snf2 related CREBBP activator protein; plus strand). Cytogenetic location: 16p11.2.
Variant type: single nucleotide variant.
Coding change: c.6901G>T on transcript NM_006662.3 (MANE Select); coding-DNA position 6901, G replaced by T.
Protein change: p.Glu2301Ter; replaces glutamic acid 2301 with a stop codon.
Molecular consequence: nonsense.
Genome position (GRCh38, 1-based): chr16:30,736,371, G>T. VCF-style: chr16-30736371-G-T. GRCh37 (hg19) VCF-style: chr16-30747692-G-T.
Other names: short protein forms E2301*.
Identifiers: ClinVar variation 489058 (VCV000489058.2), dbSNP rs1555465868, ClinGen allele CA395628926.

ClinVar aggregate classification (germline): Uncertain significance (1 of 4 stars; one submission).

Submission:

GeneDx
Classification: Uncertain significance. Last evaluated: 2017-09-20. Review status: criteria provided, single submitter. Criteria: GeneDx Variant Classification (06012015). Collection method: clinical testing. Allele origin: germline. Affected: yes.
Comment: The E2301X variant in the SRCAP gene has not been reported previously as a pathogenic variant nor as a benign variant, to our knowledge. This variant is predicted to cause loss of normal protein function either through protein truncation or nonsense-mediated mRNA decay. The E2301X variant is not observed in large population cohorts (Lek et al., 2016). We interpret E2301X as a variant of uncertain significance.